The following is an entry in ClinVar:

ClinVar aggregate classification (germline): Pathogenic (1 of 4 stars; one submission).

Conditions:
Usher syndrome type 1 (USH1). Also called: RETINITIS PIGMENTOSA AND CONGENITAL DEAFNESS. Identifiers: Orphanet 231169, Orphanet 886, MedGen C1568247, MONDO:0010168, OMIM 276900.

Submission:

Myriad Genetics, Inc.
Classification: Pathogenic for Usher syndrome type 1. Last evaluated: 2025-07-01. Review status: criteria provided, single submitter. Criteria: Myriad Autosomal Dominant, Autosomal Recessive and X-Linked Classification Criteria (2023). Collection method: clinical testing. Allele origin: unknown.
Comment: NM_000260.3(MYO7A):c.268delC(R90Gfs*16) is expected to be pathogenic in the context of MYO7A-related disorders. This variant is predicted to lead to an abnormal or absent protein product due to the creation of a premature termination codon in MYO7A, a gene where loss-of-function variants are known to be pathogenic. Please note: this variant was assessed in the context of healthy population screening.

NM_000260.4(MYO7A):c.268del (p.Arg90fs)

Gene: MYO7A (myosin VIIA; plus strand). Cytogenetic location: 11q13.5.
Variant type: Deletion.
Coding change: c.268del on transcript NM_000260.4 (MANE Select); coding-DNA position 268, one base deleted (C; older notation c.268delC).
Protein change: p.Arg90fs; shifts the reading frame from arginine 90.
Molecular consequence: frameshift variant.
Genome position (GRCh38, 1-based): chr11:77,147,933, C deleted; the last of 2 consecutive C bases (chr11:77,147,932-77,147,933); deleting either gives the same sequence. VCF-style (leftmost placement, unchanged base first): chr11-77147931-AC-A. GRCh37 (hg19) VCF-style: chr11-76858977-AC-A.
Other names: c.268del, p.Arg90fs (NM_001127180.2); c.235del, p.Arg79fs (NM_001369365.1); short protein forms R79fs, R90fs.
Identifiers: ClinVar variation 5014668 (VCV005014668.1).
Genomic context (GRCh38, chr11:77,147,931, plus strand): 5'-ACATGATCCGCCTGGGGGACCTCAACGAGGCGGGCATCTTGCGCAACCTGCTTATCCGCT[AC>A]CGGGACCACCTCATCTACGTGAGTGCCGCCCCGCCCGGTGCCCGTCCAGGCCCCCTCAGG-3'